The following is an entry in ClinVar:

ClinVar aggregate classification (germline): Uncertain significance. Review status: criteria provided, multiple submitters, no conflicts (2 of 4 stars). 3 submissions from 3 submitters: Uncertain significance (3). Last evaluated 2024-09-11.

Allele frequency attached by ClinVar (database versions not stated): gnomAD 0.00001 and 0.00003; TOPMed 0.00003; gnomAD exomes 0.00006; ExAC 0.00009; 1000 Genomes Project 30x 0.00016; 1000 Genomes Project 0.00020.

Submissions (3):

Labcorp Genetics (formerly Invitae), Labcorp
Classification: Uncertain significance. Last evaluated: 2024-09-11. Review status: criteria provided, single submitter. Criteria: Invitae Variant Classification Sherloc (09022015). Collection method: clinical testing. Allele origin: germline.
Comment: This sequence change replaces asparagine, which is neutral and polar, with lysine, which is basic and polar, at codon 233 of the DTHD1 protein (p.Asn233Lys). This variant is present in population databases (rs533626351, gnomAD 0.08%), and has an allele count higher than expected for a pathogenic variant. This variant has not been reported in the literature in individuals affected with DTHD1-related conditions. ClinVar contains an entry for this variant (Variation ID: 1058777). An algorithm developed to predict the effect of missense changes on protein structure and function (PolyPhen-2) suggests that this variant is likely to be tolerated. In summary, the available evidence is currently insufficient to determine the role of this variant in disease. Therefore, it has been classified as a Variant of Uncertain Significance.

Ambry Genetics
Classification: Uncertain significance. Last evaluated: 2022-12-13. Review status: criteria provided, single submitter. Criteria: Ambry Variant Classification Scheme 2023. Collection method: clinical testing. Allele origin: germline.

Blueprint Genetics
Classification: Uncertain significance. Last evaluated: 2022-06-13. Review status: criteria provided, single submitter. Criteria: ACMG Guidelines, 2015. Collection method: clinical testing. Allele origin: germline.

NM_001170700.3(DTHD1):c.1569C>A (p.Asn523Lys)

Gene: DTHD1 (death domain containing 1; plus strand). Cytogenetic location: 4p14.
Variant type: single nucleotide variant.
Coding change: c.1569C>A on transcript NM_001170700.3 (MANE Select); coding-DNA position 1569, C replaced by A.
Protein change: p.Asn523Lys; replaces asparagine 523 with lysine.
Molecular consequence: missense variant. On other transcripts: non-coding transcript variant (2).
Genome position (GRCh38, 1-based): chr4:36,294,965, C>A. VCF-style: chr4-36294965-C-A. GRCh37 (hg19) VCF-style: chr4-36296587-C-A.
Other names: c.1194C>A (NM_001170700.1); c.699C>A, p.Asn233Lys (NM_001136536.5); c.636C>A, p.Asn212Lys (NM_001378435.1); short protein forms N212K, N233K, N523K.
Identifiers: ClinVar variation 1058777 (VCV001058777.11), dbSNP rs533626351, ClinGen allele CA2885646.